The following is an entry in ClinVar:

ClinVar aggregate classification (germline): Uncertain significance. Review status: criteria provided, multiple submitters, no conflicts (2 of 4 stars). 4 submissions from 4 submitters: Uncertain significance (3). 1 of the submissions does not count toward it. Last evaluated 2025-07-07.

Conditions:
Glucose-6-phosphate transport defect (GSD1B). Also called: Glycogen Storage Disease Type Ib; GSD Ib. Identifiers: Orphanet 364, Orphanet 79259, MedGen C0268146, MONDO:0009288, OMIM 232220.

Submissions (4):

Labcorp Genetics (formerly Invitae), Labcorp
Classification: Uncertain significance for Glucose-6-phosphate transport defect. Last evaluated: 2025-07-07. Review status: criteria provided, single submitter. Criteria: Invitae Variant Classification Sherloc (09022015). Collection method: clinical testing. Allele origin: germline.
Comment: This sequence change falls in intron 5 of the SLC37A4 gene. It does not directly change the encoded amino acid sequence of the SLC37A4 protein. It affects a nucleotide within the consensus splice site. This variant is present in population databases (no rsID available, gnomAD 0.004%). This variant has not been reported in the literature in individuals affected with SLC37A4-related conditions. ClinVar contains an entry for this variant (Variation ID: 553181). Variants that disrupt the consensus splice site are a relatively common cause of aberrant splicing (PMID: 17576681, 9536098). Algorithms developed to predict the effect of sequence changes on RNA splicing suggest that this variant is not likely to affect RNA splicing. In summary, the available evidence is currently insufficient to determine the role of this variant in disease. Therefore, it has been classified as a Variant of Uncertain Significance.

Women's Health and Genetics/Laboratory Corporation of America, LabCorp
Classification: Uncertain significance. Last evaluated: 2025-02-10. Review status: criteria provided, single submitter. Criteria: LabCorp Variant Classification Summary - May 2015. Collection method: clinical testing. Allele origin: germline.

Blueprint Genetics
Classification: Uncertain significance. Last evaluated: 2023-03-06. Review status: criteria provided, single submitter. Criteria: ACMG Guidelines, 2015. Collection method: clinical testing. Allele origin: germline.

Counsyl
Classification: Uncertain significance for Glucose-6-phosphate transport defect. Last evaluated: 2017-08-04. Review status: no assertion criteria provided. Collection method: clinical testing. Allele origin: unknown. Not counted in ClinVar's aggregate classification.

Literature cited by the submitters: PubMed 17576681 (cited by Labcorp Genetics (formerly Invitae), Labcorp); PubMed 9536098 (cited by Labcorp Genetics (formerly Invitae), Labcorp).

NM_001164277.2(SLC37A4):c.626+6C>T

Gene: SLC37A4 (solute carrier family 37 member 4; minus strand). Cytogenetic location: 11q23.3.
Variant type: single nucleotide variant.
Coding change: c.626+6C>T on transcript NM_001164277.2 (MANE Select); 6 bases into the intron after coding-DNA position 626, C replaced by T.
Molecular consequence: intron variant.
Genome position (GRCh38, 1-based): chr11:119,027,622, G>A on the plus strand (C>T on the coding strand, the complement: SLC37A4 is on the minus strand). VCF-style: chr11-119027622-G-A. GRCh37 (hg19) VCF-style: chr11-118898332-G-A.
Other names: c.625+6C>T (NM_001164277.2); c.407+6C>T (NM_001164279.2); c.626+6C>T (NM_001467.6, NM_001164278.2, NM_001164280.2).
Identifiers: ClinVar variation 553181 (VCV000553181.8), dbSNP rs762685017, ClinGen allele CA602577659.